The following is an entry in ClinVar:

NM_000540.3(RYR1):c.13437+14C>T

Gene: RYR1 (ryanodine receptor 1; plus strand). Cytogenetic location: 19q13.2.
Variant type: single nucleotide variant.
Coding change: c.13437+14C>T on transcript NM_000540.3 (MANE Select); 14 bases into the intron after coding-DNA position 13437, C replaced by T.
Molecular consequence: intron variant.
Genome position (GRCh38, 1-based): chr19:38,565,785, C>T. VCF-style: chr19-38565785-C-T. GRCh37 (hg19) VCF-style: chr19-39056425-C-T.
Other names: c.13422+14C>T (NM_001042723.2).
Identifiers: ClinVar variation 1485334 (VCV001485334.5), dbSNP rs771599721, ClinGen allele CA059770.

ClinVar aggregate classification (germline): Uncertain significance. Review status: criteria provided, multiple submitters, no conflicts (2 of 4 stars). 2 submissions from 2 submitters: Uncertain significance (2). Last evaluated 2024-05-23.

Conditions:
RYR1-related disorder. Also called: RYR1-related condition; RYR1-related disorders. Identifiers: MedGen CN239331.
King Denborough syndrome (KDS). Identifiers: MedGen C1840365, MONDO:0020485, OMIM 619542.
Malignant hyperthermia, susceptibility to, 1 (MHS1). Also called: Anesthesia related hyperthermia; Malignant hyperpyrexia; Fulminating hyperpyrexia; Pharmacogenic myopathy; RYR1-Related Malignant Hyperthermia Susceptibility; Malignant hyperthermia suceptibility 1. Identifiers: Orphanet 423, MedGen C2930980, MONDO:0007783, OMIM 145600.
Congenital myopathy with fiber type disproportion. Also called: Congenital fiber-type disproportion; Congenital fiber-type disproportion myopathy. Identifiers: Orphanet 2020, MedGen C0546264, MONDO:0009711. Inheritance: all.
Central core myopathy (CMYO1A). Also called: CONGENITAL MYOPATHY 1A, AUTOSOMAL DOMINANT, WITH SUSCEPTIBILITY TO MALIGNANT HYPERTHERMIA; Central core disease; Myopathy, central fibrillar. Identifiers: Orphanet 597, MedGen C5830701, MONDO:0007294, OMIM 117000.
Congenital multicore myopathy with external ophthalmoplegia (CMYO1B). Also called: Congenital myopathy 1B, autosomal recessive; Minicore myopathy; MULTICORE MYOPATHY; Minicore myopathy with external ophthalmoplegia; MULTIMINICORE DISEASE WITH EXTERNAL OPHTHALMOPLEGIA. Identifiers: Orphanet 598, Orphanet 98905, MedGen C1850674, MONDO:0009712, OMIM 255320, HP:0003789.

gnomAD v4.1: 13 of 1,375,002 alleles (0.00095%); highest among the groups gnomAD compares: African/African-American, 0.0015%; no homozygotes.

Submissions (2):

Labcorp Genetics (formerly Invitae), Labcorp
Classification: Uncertain significance for RYR1-related disorder. Last evaluated: 2024-05-23. Review status: criteria provided, single submitter. Criteria: Invitae Variant Classification Sherloc (09022015). Collection method: clinical testing. Allele origin: germline.
Comment: This sequence change falls in intron 91 of the RYR1 gene. It does not directly change the encoded amino acid sequence of the RYR1 protein. This variant is not present in population databases (gnomAD no frequency). This variant has not been reported in the literature in individuals affected with RYR1-related conditions. ClinVar contains an entry for this variant (Variation ID: 1485334). Algorithms developed to predict the effect of sequence changes on RNA splicing suggest that this variant may create or strengthen a splice site. In summary, the available evidence is currently insufficient to determine the role of this variant in disease. Therefore, it has been classified as a Variant of Uncertain Significance.

Fulgent Genetics
Classification: Uncertain significance for Central core myopathy; Malignant hyperthermia, susceptibility to, 1; Congenital myopathy 4A, autosomal dominant; Congenital multicore myopathy with external ophthalmoplegia; King Denborough syndrome. Last evaluated: 2021-10-11. Review status: criteria provided, single submitter. Criteria: ACMG Guidelines, 2015. Collection method: clinical testing. Allele origin: unknown.